The following is an entry in ClinVar:

NM_015192.4(PLCB1):c.3188A>C (p.Lys1063Thr)

Gene: PLCB1 (phospholipase C beta 1; plus strand). Cytogenetic location: 20p12.3.
Variant type: single nucleotide variant.
Coding change: c.3188A>C on transcript NM_015192.4 (MANE Select); coding-DNA position 3188, A replaced by C.
Protein change: p.Lys1063Thr; replaces lysine 1063 with threonine.
Molecular consequence: missense variant.
Genome position (GRCh38, 1-based): chr20:8,788,525, A>C. VCF-style: chr20-8788525-A-C. GRCh37 (hg19) VCF-style: chr20-8769172-A-C.
Other names: c.3188A>C, p.Lys1063Thr (NM_182734.3); short protein forms K1063T.
Identifiers: ClinVar variation 835017 (VCV000835017.10), dbSNP rs1371029553, ClinGen allele CA408209602.

ClinVar aggregate classification (germline): Uncertain significance (1 of 4 stars; one submission).

Conditions:
Developmental and epileptic encephalopathy, 12 (DEE12). Identifiers: MedGen C3150988, MONDO:0013389, OMIM 613722.

Allele frequency attached by ClinVar (database versions not stated): gnomAD exomes below 0.00001; TOPMed below 0.00001.
gnomAD v4.1: 3 of 1,612,934 alleles (0.00019%); highest among the groups gnomAD compares: Non-Finnish European, 0.00025%; no homozygotes.

Submission:

Labcorp Genetics (formerly Invitae), Labcorp
Classification: Uncertain significance for Developmental and epileptic encephalopathy, 12. Last evaluated: 2019-11-25. Review status: criteria provided, single submitter. Criteria: Invitae Variant Classification Sherloc (09022015). Collection method: clinical testing. Allele origin: germline.
Comment: Algorithms developed to predict the effect of missense changes on protein structure and function are either unavailable or do not agree on the potential impact of this missense change (SIFT: "Deleterious"; PolyPhen-2: "Possibly Damaging"; Align-GVGD: "Class C0"). In summary, the available evidence is currently insufficient to determine the role of this variant in disease. Therefore, it has been classified as a Variant of Uncertain Significance. This variant has not been reported in the literature in individuals with PLCB1-related conditions. This variant is not present in population databases (ExAC no frequency). This sequence change replaces lysine with threonine at codon 1063 of the PLCB1 protein (p.Lys1063Thr). The lysine residue is moderately conserved and there is a moderate physicochemical difference between lysine and threonine.